The following is an entry in ClinVar:

NM_021930.6(RINT1):c.1921G>A (p.Val641Met)

Genes: EFCAB10 (EF-hand calcium binding domain 10; minus strand), RINT1 (RAD50 interactor 1; plus strand). Cytogenetic location: 7q22.3.
Variant type: single nucleotide variant.
Coding change: c.1921G>A on transcript NM_021930.6 (MANE Select); coding-DNA position 1921, G replaced by A.
Protein change: p.Val641Met; replaces valine 641 with methionine.
Molecular consequence: missense variant. On other transcripts: 3 prime UTR variant (3), non-coding transcript variant (1).
Genome position (GRCh38, 1-based): chr7:105,565,311, G>A. VCF-style: chr7-105565311-G-A. GRCh37 (hg19) VCF-style: chr7-105205758-G-A.
Other names: c.*136C>T (NM_001355526.2); c.*238C>T (NM_001355530.2); c.*91C>T (NM_001355531.2); c.1687G>A, p.Val563Met (NM_001346599.2); c.898G>A, p.Val300Met (NM_001346600.2, NM_001346603.2); c.997G>A, p.Val333Met (NM_001346601.2); short protein forms V300M, V333M, V563M, V641M.
Identifiers: ClinVar variation 3227623 (VCV003227623.1), dbSNP rs2133475619, ClinGen allele CA368814706.

ClinVar aggregate classification (germline): Uncertain significance (1 of 4 stars; one submission).

Submission:

Ambry Genetics
Classification: Uncertain significance. Last evaluated: 2024-03-09. Review status: criteria provided, single submitter. Criteria: Ambry Variant Classification Scheme 2023. Collection method: clinical testing. Allele origin: germline.
Comment: The p.V641M variant (also known as c.1921G>A), located in coding exon 13 of the RINT1 gene, results from a G to A substitution at nucleotide position 1921. The valine at codon 641 is replaced by methionine, an amino acid with highly similar properties. This amino acid position is conserved. In addition, this alteration is predicted to be tolerated by in silico analysis. Based on the available evidence, the clinical significance of this alteration remains unclear.